The following is an entry in ClinVar:

NM_000719.7(CACNA1C):c.3358C>G (p.Leu1120Val)

Gene: CACNA1C (calcium voltage-gated channel subunit alpha1 C; plus strand). Cytogenetic location: 12p13.33.
Variant type: single nucleotide variant.
Coding change: c.3358C>G on transcript NM_000719.7 (MANE Select); coding-DNA position 3358, C replaced by G.
Protein change: p.Leu1120Val; replaces leucine 1120 with valine.
Molecular consequence: missense variant.
Genome position (GRCh38, 1-based): chr12:2,608,512, C>G. VCF-style: chr12-2608512-C-G. GRCh37 (hg19) VCF-style: chr12-2717678-C-G.
Other names: c.3418C>G, p.Leu1140Val (NM_001129827.2, NM_001129832.2, NM_199460.4); c.3358C>G, p.Leu1120Val (NM_001129829.2, NM_001129830.3, NM_001129831.2 and 15 more transcripts); c.3349C>G, p.Leu1117Val (NM_001129844.2); short protein forms L1120V, L1117V, L1140V.
Identifiers: ClinVar variation 1730565 (VCV001730565.3), dbSNP rs2518565331, ClinGen allele CA383375210.

ClinVar aggregate classification (germline): Uncertain significance. Review status: criteria provided, multiple submitters, no conflicts (2 of 4 stars). 2 submissions from 2 submitters: Uncertain significance (2). Last evaluated 2025-06-03.

Conditions:
Cardiovascular phenotype. Identifiers: MedGen CN230736.

Allele frequency attached by ClinVar (database versions not stated): gnomAD exomes below 0.00001.
gnomAD v4.1: 2 of 1,606,954 alleles (0.00012%); highest among the groups gnomAD compares: Non-Finnish European, 0.00017%; no homozygotes.

Submissions (2):

GeneDx
Classification: Uncertain significance. Last evaluated: 2025-06-03. Review status: criteria provided, single submitter. Criteria: GeneDx Variant Classification Process June 2021. Collection method: clinical testing. Allele origin: germline. Affected: yes.
Comment: Not observed at significant frequency in large population cohorts (gnomAD); In silico analysis supports that this missense variant has a deleterious effect on protein structure/function; Has not been previously published as pathogenic or benign to our knowledge

Ambry Genetics
Classification: Uncertain significance for Cardiovascular phenotype. Last evaluated: 2019-12-13. Review status: criteria provided, single submitter. Criteria: Ambry Variant Classification Scheme 2023. Collection method: clinical testing. Allele origin: germline.
Comment: The p.L1120V variant (also known as c.3358C>G), located in coding exon 27 of the CACNA1C gene, results from a C to G substitution at nucleotide position 3358. The leucine at codon 1120 is replaced by valine, an amino acid with highly similar properties. This amino acid position is highly conserved in available vertebrate species. In addition, this alteration is predicted to be deleterious by in silico analysis. Since supporting evidence is limited at this time, the clinical significance of this alteration remains unclear.